The following is an entry in ClinVar:

ClinVar aggregate classification (germline): Uncertain significance (1 of 4 stars; one submission).

Submission:

Women's Health and Genetics/Laboratory Corporation of America, LabCorp
Classification: Uncertain significance. Last evaluated: 2024-11-25. Review status: criteria provided, single submitter. Criteria: LabCorp Variant Classification Summary - May 2015. Collection method: clinical testing. Allele origin: germline.
Comment: Variant summary: SLC39A5 c.466G>A (p.Glu156Lys) results in a conservative amino acid change in the encoded protein sequence. Three of five in-silico tools predict a benign effect of the variant on protein function. The variant allele was found at a frequency of 2.8e-05 in 247062 control chromosomes. The available data on variant occurrences in the general population are insufficient to allow any conclusion about variant significance. To our knowledge, no occurrence of c.466G>A in individuals affected with Myopia 24, Autosomal Dominant and no experimental evidence demonstrating its impact on protein function have been reported. No submitters have cited clinical-significance assessments for this variant to ClinVar. Based on the evidence outlined above, the variant was classified as uncertain significance.

NM_173596.3(SLC39A5):c.466G>A (p.Glu156Lys)

Gene: SLC39A5 (solute carrier family 39 member 5; plus strand). Cytogenetic location: 12q13.3.
Variant type: single nucleotide variant.
Coding change: c.466G>A on transcript NM_173596.3 (MANE Select); coding-DNA position 466, G replaced by A.
Protein change: p.Glu156Lys; replaces glutamic acid 156 with lysine.
Molecular consequence: missense variant.
Genome position (GRCh38, 1-based): chr12:56,232,867, G>A. VCF-style: chr12-56232867-G-A. GRCh37 (hg19) VCF-style: chr12-56626651-G-A.
Other names: c.466G>A, p.Glu156Lys (NM_001135195.2); short protein forms E156K.
Identifiers: ClinVar variation 3629910 (VCV003629910.1).